The following is an entry in ClinVar:

ClinVar aggregate classification (germline): Pathogenic. Review status: criteria provided, single submitter (1 of 4 stars). 2 submissions from 2 submitters: Pathogenic (1). 1 of the submissions does not count toward it. Last evaluated 2023-12-02.

Conditions:
Classic homocystinuria. Also called: Homocystinuria due to Cystathionine Beta-Synthase Deficiency; Homocystinuria due to CBS deficiency; Cystathionine beta-synthase deficiency; CBS deficiency; HOMOCYSTINURIA WITH OR WITHOUT RESPONSE TO PYRIDOXINE. Identifiers: Orphanet 394, MedGen C0751202, MONDO:0009352, OMIM 236200.
HYPERHOMOCYSTEINEMIA, THROMBOTIC, CBS-RELATED. Identifiers: MedGen C3150344, OMIM 236200.

Submissions (2):

Labcorp Genetics (formerly Invitae), Labcorp
Classification: Pathogenic for HYPERHOMOCYSTEINEMIA, THROMBOTIC, CBS-RELATED. Last evaluated: 2023-12-02. Review status: criteria provided, single submitter. Criteria: Invitae Variant Classification Sherloc (09022015). Collection method: clinical testing. Allele origin: germline.
Comment: This sequence change creates a premature translational stop signal (p.Gln526*) in the CBS gene. While this is not anticipated to result in nonsense mediated decay, it is expected to disrupt the last 26 amino acid(s) of the CBS protein. This variant is not present in population databases (gnomAD no frequency). This variant has not been reported in the literature in individuals affected with CBS-related conditions. ClinVar contains an entry for this variant (Variation ID: 556910). This variant disrupts a region of the CBS protein in which other variant(s) (p.Leu539Ser) have been determined to be pathogenic (PMID: 8990018, 20506325; Invitae). This suggests that this is a clinically significant region of the protein, and that variants that disrupt it are likely to be disease-causing. For these reasons, this variant has been classified as Pathogenic.

Counsyl
Classification: Likely pathogenic for Classic homocystinuria. Last evaluated: 2018-03-02. Review status: no assertion criteria provided. Collection method: clinical testing. Allele origin: unknown. Not counted in ClinVar's aggregate classification.

Literature cited by the submitters: PubMed 8990018 (cited by Labcorp Genetics (formerly Invitae), Labcorp); PubMed 20506325 (cited by Labcorp Genetics (formerly Invitae), Labcorp).

NM_000071.3(CBS):c.1576C>T (p.Gln526Ter)

Gene: CBS (cystathionine beta-synthase; minus strand). Cytogenetic location: 21q22.3.
Variant type: single nucleotide variant.
Coding change: c.1576C>T on transcript NM_000071.3 (MANE Select); coding-DNA position 1576, C replaced by T.
Protein change: p.Gln526Ter; replaces glutamine 526 with a stop codon.
Molecular consequence: nonsense.
Genome position (GRCh38, 1-based): chr21:43,053,960, G>A on the plus strand (C>T on the coding strand, the complement: CBS is on the minus strand). VCF-style: chr21-43053960-G-A. GRCh37 (hg19) VCF-style: chr21-44474070-G-A.
Other names: c.1576C>T, p.Gln526Ter (NM_001178008.3, NM_001178009.3, NM_001320298.2); c.1261C>T, p.Gln421Ter (NM_001321072.1); short protein forms Q526*, Q421*.
Identifiers: ClinVar variation 556910 (VCV000556910.5), dbSNP rs1555869958, ClinGen allele CA410394837.